The following is an entry in ClinVar:

ClinVar aggregate classification (germline): Benign (1 of 4 stars; one submission).

Allele frequency attached by ClinVar (database versions not stated): 1000 Genomes Project 30x 0.12617; 1000 Genomes Project 0.12740; TOPMed 0.15290; gnomAD 0.16731 and 0.16770.
gnomAD v4.1: 25,568 of 152,124 alleles (17%); highest among the groups gnomAD compares: Middle Eastern, 23%; 2,413 homozygotes.

Submission:

GeneDx
Classification: Benign. Last evaluated: 2018-06-18. Review status: criteria provided, single submitter. Criteria: GeneDx Variant Classification (06012015). Collection method: clinical testing. Allele origin: germline. Affected: yes.
Comment: This variant is considered likely benign or benign based on one or more of the following criteria: it is a conservative change, it occurs at a poorly conserved position in the protein, it is predicted to be benign by multiple in silico algorithms, and/or has population frequency not consistent with disease.

NM_139343.3(BIN1):c.519+241T>C

Gene: BIN1 (bridging integrator 1; minus strand). Cytogenetic location: 2q14.3.
Variant type: single nucleotide variant.
Coding change: c.519+241T>C on transcript NM_139343.3 (MANE Select); 241 bases into the intron after coding-DNA position 519, T replaced by C.
Molecular consequence: intron variant.
Genome position (GRCh38, 1-based): chr2:127,068,683, A>G on the plus strand (T>C on the coding strand, the complement: BIN1 is on the minus strand). VCF-style: chr2-127068683-A-G. GRCh37 (hg19) VCF-style: chr2-127826259-A-G.
Other names: c.438+241T>C (NM_001320642.1); c.447+241T>C (NM_001320634.1); c.519+241T>C (NM_139351.3, NM_139350.3, NM_139349.3 and 10 more transcripts).
Identifiers: ClinVar variation 678246 (VCV000678246.1), dbSNP rs114446285, ClinGen allele CA11340036.
Genomic context (GRCh38, chr2:127,068,683, plus strand): 5'-GCTCGCCAGGCAGGGCGGCGCCGTTCCAGGGAAACCCAGGAGGCCCATTCTCAGGCTGGC[A>G]GGTGGCCTGGATCAGGGCTGAGGGGCCAGGGTGGCACGGGGGGCAGGAATGGGCCTAGGG-3'